The following is an entry in ClinVar:

ClinVar aggregate classification (germline): Likely pathogenic (1 of 4 stars; one submission).

Conditions:
Inborn genetic diseases. Identifiers: MedGen C0950123, MeSH D030342.

gnomAD v4.1: 2 of 1,613,974 alleles (0.00012%); highest among the groups gnomAD compares: Non-Finnish European, 0.00017%; no homozygotes.

Submission:

Ambry Genetics
Classification: Likely pathogenic for Inborn genetic diseases. Last evaluated: 2025-01-27. Review status: criteria provided, single submitter. Criteria: Ambry Variant Classification Scheme 2023. Collection method: clinical testing. Allele origin: germline.
Comment: The c.2630+1G>A intronic variant results from a G to A substitution one nucleotide after coding exon 15 of the SRCAP gene. Alterations that disrupt the canonical splice site are expected to cause aberrant splicing, resulting in an abnormal protein or a transcript that is subject to nonsense-mediated mRNA decay. for SRCAP-related neurodevelopmental disorder; however, it is unlikely to be causative of Floating-Harbor syndrome This variant was not reported in population-based cohorts in the Genome Aggregation Database (gnomAD). This nucleotide position is highly conserved in available vertebrate species. In silico splice site analysis predicts that this alteration will weaken the native splice donor site. Based on the available evidence, this alteration is classified as likely pathogenic.

NM_006662.3(SRCAP):c.2630+1G>A

Gene: SRCAP (Snf2 related CREBBP activator protein; plus strand). Cytogenetic location: 16p11.2.
Variant type: single nucleotide variant.
Coding change: c.2630+1G>A on transcript NM_006662.3 (MANE Select); the canonical splice donor site of the intron after coding-DNA position 2630, G replaced by A.
Molecular consequence: splice donor variant.
Genome position (GRCh38, 1-based): chr16:30,716,203, G>A. VCF-style: chr16-30716203-G-A. GRCh37 (hg19) VCF-style: chr16-30727524-G-A.
Identifiers: ClinVar variation 3801252 (VCV003801252.1).